The following is an entry in ClinVar:

ClinVar aggregate classification (germline): Uncertain significance (1 of 4 stars; one submission).

Submission:

Labcorp Genetics (formerly Invitae), Labcorp
Classification: Uncertain significance. Last evaluated: 2022-10-05. Review status: criteria provided, single submitter. Criteria: Invitae Variant Classification Sherloc (09022015). Collection method: clinical testing. Allele origin: germline.
Comment: In summary, the available evidence is currently insufficient to determine the role of this variant in disease. Therefore, it has been classified as a Variant of Uncertain Significance. Advanced modeling of protein sequence and biophysical properties (such as structural, functional, and spatial information, amino acid conservation, physicochemical variation, residue mobility, and thermodynamic stability) performed at Invitae indicates that this missense variant is not expected to disrupt MYO7A protein function. ClinVar contains an entry for this variant (Variation ID: 1378608). This variant has not been reported in the literature in individuals affected with MYO7A-related conditions. This variant is not present in population databases (gnomAD no frequency). This sequence change replaces cysteine, which is neutral and slightly polar, with serine, which is neutral and polar, at codon 783 of the MYO7A protein (p.Cys783Ser).

NM_000260.4(MYO7A):c.2348G>C (p.Cys783Ser)

Gene: MYO7A (myosin VIIA; plus strand). Cytogenetic location: 11q13.5.
Variant type: single nucleotide variant.
Coding change: c.2348G>C on transcript NM_000260.4 (MANE Select); coding-DNA position 2348, G replaced by C.
Protein change: p.Cys783Ser; replaces cysteine 783 with serine.
Molecular consequence: missense variant.
Genome position (GRCh38, 1-based): chr11:77,179,110, G>C. VCF-style: chr11-77179110-G-C. GRCh37 (hg19) VCF-style: chr11-76890156-G-C.
Other names: c.2348G>C, p.Cys783Ser (NM_001127180.2); c.2315G>C, p.Cys772Ser (NM_001369365.1); short protein forms C772S, C783S.
Identifiers: ClinVar variation 1378608 (VCV001378608.8), dbSNP rs376014415, ClinGen allele CA381941023.
Genomic context (GRCh38, chr11:77,179,110, plus strand): 5'-ACTTTCTGAAGCTGAAGAACGCTGCCACACTGATCCAGAGGCACTGGCGGGGTCACAACT[G>C]TAGGAAGAACTACGGGCTGGTGAGCCTCCCCATGGGCTGCTCTTGCCCAAACAGGCCTTT-3'
Protein context (NP_000251.3, residues 773-793): LIQRHWRGHN[Cys783Ser]RKNYGLMRLG